The following is an entry in ClinVar:

NM_001101362.3(KBTBD13):c.882G>A (p.Pro294=)

Gene: KBTBD13 (kelch repeat and BTB domain containing 13; plus strand). Cytogenetic location: 15q22.31.
Variant type: single nucleotide variant.
Coding change: c.882G>A on transcript NM_001101362.3 (MANE Select); coding-DNA position 882, G replaced by A.
Protein change: p.Pro294=; no amino-acid change (proline 294 retained).
Molecular consequence: synonymous variant.
Genome position (GRCh38, 1-based): chr15:65,077,697, G>A. VCF-style: chr15-65077697-G-A. GRCh37 (hg19) VCF-style: chr15-65370035-G-A.
Identifiers: ClinVar variation 704574 (VCV000704574.34), dbSNP rs767222138, ClinGen allele CA7614010.

ClinVar aggregate classification (germline): Likely benign. Review status: criteria provided, multiple submitters, no conflicts (2 of 4 stars). 2 submissions from 2 submitters: Likely benign (2). Last evaluated 2025-07-24.

Conditions:
Nemaline myopathy 6 (NEM6). Also called: Nemaline myopathy 6, autosomal dominant. Identifiers: Orphanet 171439, MedGen C1836472, MONDO:0012237, OMIM 609273.

Allele frequency attached by ClinVar (database versions not stated): gnomAD exomes 0.00007; gnomAD 0.00013; TOPMed 0.00017.
gnomAD v4.1: 53 of 1,577,400 alleles (0.0034%); highest among the groups gnomAD compares: African/African-American, 0.043%; 1 homozygote.

Submissions (2):

Labcorp Genetics (formerly Invitae), Labcorp
Classification: Likely benign for Nemaline myopathy 6. Last evaluated: 2025-07-24. Review status: criteria provided, single submitter. Criteria: Invitae Variant Classification Sherloc (09022015). Collection method: clinical testing. Allele origin: germline.

CeGaT Center for Human Genetics Tuebingen
Classification: Likely benign. Last evaluated: 2023-09-01. Review status: criteria provided, single submitter. Criteria: CeGaT Center For Human Genetics Tuebingen Variant Classification Criteria Version 2. Collection method: clinical testing. Allele origin: germline. Affected: yes. Observed: 1 variant allele.
Comment: KBTBD13: BP4, BP7